The following is an entry in ClinVar:

NM_004727.3(SLC24A1):c.2884-1G>C

Gene: SLC24A1 (solute carrier family 24 member 1; plus strand). Cytogenetic location: 15q22.31.
Variant type: single nucleotide variant.
Coding change: c.2884-1G>C on transcript NM_004727.3 (MANE Select); the canonical splice acceptor site of the intron before coding-DNA position 2884, G replaced by C.
Molecular consequence: splice acceptor variant.
Genome position (GRCh38, 1-based): chr15:65,652,641, G>C. VCF-style: chr15-65652641-G-C. GRCh37 (hg19) VCF-style: chr15-65944979-G-C.
Other names: c.2830-1G>C (NM_001301033.2, NM_001301032.1); c.2542-1G>C (NM_001411142.1); c.2794-1G>C (NM_001301031.1); c.865-1G>C (NM_001254740.2).
Identifiers: ClinVar variation 1333283 (VCV001333283.8), dbSNP rs766014688, ClinGen allele CA7620273.

ClinVar aggregate classification (germline): Likely pathogenic. Review status: criteria provided, multiple submitters, no conflicts (2 of 4 stars). 2 submissions from 2 submitters: Likely pathogenic (2). Last evaluated 2024-08-15.

Conditions:
Congenital stationary night blindness 1D. Also called: Night blindness, congenital stationary (complete), 1D, autosomal recessive. Identifiers: Orphanet 215, MedGen C3151193, MONDO:0013450, OMIM 613830.

Allele frequency attached by ClinVar (database versions not stated): gnomAD exomes below 0.00001 and 0.00001; ExAC 0.00001.

Submissions (3):

Labcorp Genetics (formerly Invitae), Labcorp
Classification: Likely pathogenic. Last evaluated: 2024-08-15. Review status: criteria provided, single submitter. Criteria: Invitae Variant Classification Sherloc (09022015). Collection method: clinical testing. Allele origin: germline.
Comment: This sequence change affects an acceptor splice site in intron 8 of the SLC24A1 gene. It is expected to disrupt RNA splicing. Variants that disrupt the donor or acceptor splice site typically lead to a loss of protein function (PMID: 16199547), and loss-of-function variants in SLC24A1 are known to be pathogenic (PMID: 20850105, 26822852). This variant is present in population databases (rs766014688, gnomAD 0.003%). This variant has not been reported in the literature in individuals affected with SLC24A1-related conditions. ClinVar contains an entry for this variant (Variation ID: 1333283). Algorithms developed to predict the effect of sequence changes on RNA splicing suggest that this variant may disrupt the consensus splice site. In summary, the currently available evidence indicates that the variant is pathogenic, but additional data are needed to prove that conclusively. Therefore, this variant has been classified as Likely Pathogenic.

3billion
Classification: Likely pathogenic for Congenital stationary night blindness 1D. Last evaluated: 2022-01-03. Review status: criteria provided, single submitter. Criteria: ACMG Guidelines, 2015. Collection method: clinical testing. Allele origin: germline. Affected: yes. Observed: 1 homozygote.
Comment: Canonical splice site: predicted to alter splicing and result in a loss or disruption of normal protein function through protein truncation. Multiple pathogenic variants are reported in the predicted truncated region (PVS1_VS). It is observed at an extremely low frequency in the gnomAD v2.1.1 dataset (total allele frequency: 0.000008, PM2_M). Therefore, this variant is classified as likely pathogenic according to the recommendation of ACMG/AMP guideline.

Dr. Peter K. Rogan Lab, Western University
No classification provided (evidence only). Condition: Colorectal cancer. Review status: no classification provided. Collection method: in vitro. Allele origin: not applicable. Functional consequence: retained intron. Not counted in ClinVar's aggregate classification.

Literature cited by the submitters: PubMed 16199547 (cited by Labcorp Genetics (formerly Invitae), Labcorp); PubMed 20850105 (cited by Labcorp Genetics (formerly Invitae), Labcorp); PubMed 26822852 (cited by Labcorp Genetics (formerly Invitae), Labcorp).